The following is an entry in ClinVar:

ClinVar aggregate classification (germline): Uncertain significance (1 of 4 stars; one submission).

Conditions:
Charcot-Marie-Tooth disease type 4. Also called: Charcot-Marie-Tooth disease, type IV; Charcot-Marie-Tooth, Type 4. Identifiers: Orphanet 64749, MedGen C4082197, MONDO:0018995.

Submission:

Labcorp Genetics (formerly Invitae), Labcorp
Classification: Uncertain significance for Charcot-Marie-Tooth disease type 4. Last evaluated: 2022-06-03. Review status: criteria provided, single submitter. Criteria: Invitae Variant Classification Sherloc (09022015). Collection method: clinical testing. Allele origin: germline.
Comment: This variant, c.1869_1976del, results in the deletion of 36 amino acid(s) of the PRX protein (p.Glu633_Pro668del), but otherwise preserves the integrity of the reading frame. The frequency data for this variant in the population databases is considered unreliable, as metrics indicate poor data quality at this position in the gnomAD database. This variant has not been reported in the literature in individuals affected with PRX-related conditions. ClinVar contains an entry for this variant (Variation ID: 972265). Experimental studies and prediction algorithms are not available or were not evaluated, and the functional significance of this variant is currently unknown. In summary, the available evidence is currently insufficient to determine the role of this variant in disease. Therefore, it has been classified as a Variant of Uncertain Significance.

NM_181882.3(PRX):c.1869_1976del (p.Glu633_Pro668del)

Gene: PRX (periaxin; minus strand). Cytogenetic location: 19q13.2.
Variant type: Deletion.
Coding change: c.1869_1976del on transcript NM_181882.3 (MANE Select); coding-DNA positions 1869 to 1976, 108 bases deleted.
Protein change: p.Glu633_Pro668del.
Molecular consequence: inframe deletion. On other transcripts: 3 prime UTR variant (1).
Genome position (GRCh38, 1-based): chr19:40,396,376-40,396,483, 108 bases deleted. GRCh37 (hg19): chr19:40,902,294-40,902,401.
Other names: c.*2074_*2181del (NM_020956.2).
Identifiers: ClinVar variation 972265 (VCV000972265.10), dbSNP rs2079436631, ClinGen allele CA633466301.